The following is an entry in ClinVar:

ClinVar aggregate classification (germline): Uncertain significance (1 of 4 stars; one submission).

Allele frequency attached by ClinVar (database versions not stated): gnomAD exomes below 0.00001.
gnomAD v4.1: 1 of 1,567,752 alleles (0.000064%); highest among the groups gnomAD compares: Non-Finnish European, 0.000087%; no homozygotes.

Submission:

Biesecker Lab/Clinical Genomics Section, National Institutes of Health
Classification: Uncertain significance. Last evaluated: 2013-06-24. Review status: criteria provided, single submitter. Criteria: Ng et al. (Circ Cardiovasc Genet. 2013). Collection method: research. Allele origin: unknown. Observed: 1 variant allele. Study: ClinSeq.
Comment: The study set was not selected for affection status in relation to any cancer. Pathogenicity categories were based on literature curation. See Pubmed ID:23861362 for details.

Medical sequencing

NM_001035.3(RYR2):c.11126A>T (p.Glu3709Val)

Gene: RYR2 (ryanodine receptor 2; plus strand). Cytogenetic location: 1q43.
Variant type: single nucleotide variant.
Coding change: c.11126A>T on transcript NM_001035.3 (MANE Select); coding-DNA position 11126, A replaced by T.
Protein change: p.Glu3709Val; replaces glutamic acid 3709 with valine.
Molecular consequence: missense variant.
Genome position (GRCh38, 1-based): chr1:237,742,330, A>T. VCF-style: chr1-237742330-A-T. GRCh37 (hg19) VCF-style: chr1-237905630-A-T.
Other names: c.11126A>T, p.Glu3709Val (LRG_402t1); short protein forms E3709V.
Identifiers: ClinVar variation 191489 (VCV000191489.1), dbSNP rs200013680, ClinGen allele CA006887.
Genomic context (GRCh38, chr1:237,742,330, plus strand): 5'-CTTTTTTTTTTTTTTTAAATATACAGAGTTGTCATGATGAGGAAGATGACGATGGTGAAG[A>T]GGAAGTGAAGAGTTTTGAAGTAAGATGGATCTTTCTGGATTTGCCTTTCTTTCTATCTTG-3'
Protein context (NP_001026.2, residues 3699-3719): CHDEEDDDGE[Glu3709Val]EVKSFEEKEM